The following is an entry in ClinVar:

ClinVar aggregate classification (germline): Uncertain significance. Review status: criteria provided, multiple submitters, no conflicts (2 of 4 stars). 3 submissions from 3 submitters: Uncertain significance (2). 1 of the submissions does not count toward it. Last evaluated 2025-08-06.

Conditions:
Dyskeratosis congenita, autosomal dominant 2. Identifiers: MedGen C3151443, MONDO:0013521, OMIM 613989.
Idiopathic Pulmonary Fibrosis. Also called: Idiopathic fibrosing alveolitis, chronic form; idiopathic fibrosing alveolitis. Identifiers: Orphanet 2032, MedGen C1800706, MeSH D054990, MONDO:0800504.
TERT-related disorder. Also called: TERT-related condition; TERT-related disorders.
Dyskeratosis congenita. Identifiers: Orphanet 1775, MedGen C0265965, MONDO:0015780.

Allele frequency attached by ClinVar (database versions not stated): gnomAD 0.00002; ExAC below 0.00001; gnomAD exomes 0.00001; TOPMed 0.00003.
gnomAD v4.1: 23 of 1,564,330 alleles (0.0015%); highest among the groups gnomAD compares: Admixed American, 0.0038%; no homozygotes.

Submissions (3):

Ambry Genetics
Classification: Uncertain significance for Dyskeratosis congenita. Last evaluated: 2025-08-06. Review status: criteria provided, single submitter. Criteria: Ambry Variant Classification Scheme 2023. Collection method: clinical testing. Allele origin: germline.
Comment: The c.2971-3T>C intronic variant results from a T to C substitution 3 nucleotides upstream from coding exon 13 in the TERT gene. This nucleotide position is not well conserved in available vertebrate species. In silico splice site analysis predicts that this alteration will not have any significant effect on splicing. Based on the available evidence, the clinical significance of this variant remains unclear.

Labcorp Genetics (formerly Invitae), Labcorp
Classification: Uncertain significance for Dyskeratosis congenita, autosomal dominant 2; Idiopathic Pulmonary Fibrosis. Last evaluated: 2025-07-07. Review status: criteria provided, single submitter. Criteria: Invitae Variant Classification Sherloc (09022015). Collection method: clinical testing. Allele origin: germline.
Comment: This sequence change falls in intron 12 of the TERT gene. It does not directly change the encoded amino acid sequence of the TERT protein. It affects a nucleotide within the consensus splice site. The frequency data for this variant in the population databases is considered unreliable, as metrics indicate poor data quality at this position in the gnomAD database. This variant has not been reported in the literature in individuals affected with TERT-related conditions. ClinVar contains an entry for this variant (Variation ID: 1015633). Variants that disrupt the consensus splice site are a relatively common cause of aberrant splicing (PMID: 17576681, 9536098). Algorithms developed to predict the effect of sequence changes on RNA splicing suggest that this variant is not likely to affect RNA splicing. In summary, the available evidence is currently insufficient to determine the role of this variant in disease. Therefore, it has been classified as a Variant of Uncertain Significance.

PreventionGenetics, part of Exact Sciences
Classification: Likely benign for TERT-related condition. Last evaluated: 2024-05-23. Review status: no assertion criteria provided. Collection method: clinical testing. Allele origin: germline. Not counted in ClinVar's aggregate classification.
Comment: This variant is classified as likely benign based on ACMG/AMP sequence variant interpretation guidelines (Richards et al. 2015 PMID: 25741868, with internal and published modifications).

Literature cited by the submitters: PubMed 17576681 (cited by Labcorp Genetics (formerly Invitae), Labcorp); PubMed 9536098 (cited by Labcorp Genetics (formerly Invitae), Labcorp).

NM_198253.3(TERT):c.2971-3T>C

Gene: TERT (telomerase reverse transcriptase; minus strand). Cytogenetic location: 5p15.33.
Variant type: single nucleotide variant.
Coding change: c.2971-3T>C on transcript NM_198253.3 (MANE Select); 3 bases into the intron before coding-DNA position 2971, T replaced by C.
Molecular consequence: intron variant.
Genome position (GRCh38, 1-based): chr5:1,258,662, A>G on the plus strand (T>C on the coding strand, the complement: TERT is on the minus strand). VCF-style: chr5-1258662-A-G. GRCh37 (hg19) VCF-style: chr5-1258777-A-G.
Other names: c.2782-3T>C (NM_001193376.3); c.2971-3T>C (NM_198253.2).
Identifiers: ClinVar variation 1015633 (VCV001015633.9), dbSNP rs765078035, ClinGen allele CA3184326.